The following is an entry in ClinVar:

NM_001014342.3(FLG2):c.6260A>G (p.His2087Arg)

Genes: FLG2 (filaggrin 2; minus strand), CCDST (cervical cancer associated DHX9 suppressive transcript; plus strand). Cytogenetic location: 1q21.3.
Variant type: single nucleotide variant.
Coding change: c.6260A>G on transcript NM_001014342.3 (MANE Select); coding-DNA position 6260, A replaced by G.
Protein change: p.His2087Arg; replaces histidine 2087 with arginine.
Molecular consequence: missense variant.
Genome position (GRCh38, 1-based): chr1:152,351,526, T>C on the plus strand (A>G on the coding strand, the complement: FLG2 is on the minus strand). VCF-style: chr1-152351526-T-C. GRCh37 (hg19) VCF-style: chr1-152324002-T-C.
Other names: short protein forms H2087R.
Identifiers: ClinVar variation 2639331 (VCV002639331.24), dbSNP rs141384852, ClinGen allele CA1108313.
Genomic context (GRCh38, chr1:152,351,526, plus strand): 5'-TCACTGTGGCCAGATCCCCTTCTTCCAGCTGTCCTTGACCCTCTCTGTGTGGACTGTCCA[T>C]GACCAGAGTGAGCATGTCTAGTGGTATCTCCTGTCTGTCCATGAGTAGTTCCGTGTCTCT-3'
Protein context (NP_001014364.1, residues 2077-2097): GDTTRHAHSG[His2087Arg]GQSTQRGSRT

ClinVar aggregate classification (germline): Benign (1 of 4 stars; one submission).

Allele frequency attached by ClinVar (database versions not stated): ESP Exome Variant Server 0.00384; gnomAD 0.00425; TOPMed 0.00475; 1000 Genomes Project 0.00479; 1000 Genomes Project 30x 0.00515; gnomAD exomes 0.00660; ExAC 0.00684.

Submission:

CeGaT Center for Human Genetics Tuebingen
Classification: Benign. Last evaluated: 2024-06-01. Review status: criteria provided, single submitter. Criteria: CeGaT Center For Human Genetics Tuebingen Variant Classification Criteria Version 2. Collection method: clinical testing. Allele origin: germline. Affected: yes. Observed: 4 variant alleles.
Comment: FLG2: BP4, BS1, BS2